The following is an entry in ClinVar:

ClinVar aggregate classification (germline): Likely benign. Review status: criteria provided, multiple submitters, no conflicts (2 of 4 stars). 2 submissions from 2 submitters: Likely benign (2). Last evaluated 2025-06-04.

Allele frequency attached by ClinVar (database versions not stated): TOPMed 0.00001.

Submissions (2):

Labcorp Genetics (formerly Invitae), Labcorp
Classification: Likely benign. Last evaluated: 2025-06-04. Review status: criteria provided, single submitter. Criteria: Invitae Variant Classification Sherloc (09022015). Collection method: clinical testing. Allele origin: germline.

Laboratory for Molecular Medicine, Mass General Brigham Personalized Medicine
Classification: Likely benign. Last evaluated: 2014-01-09. Review status: criteria provided, single submitter. Criteria: LMM Criteria. Collection method: clinical testing. Allele origin: germline. Observed: 1 variant allele.
Comment: Pro907Pro in Exon 20 of PCDH15: This variant is not expected to have clinical si gnificance because it does not alter an amino acid residue and is not located wi thin the splice consensus sequence.

NM_001384140.1(PCDH15):c.2721T>G (p.Pro907=)

Gene: PCDH15 (protocadherin related 15; minus strand). Cytogenetic location: 10q21.1.
Variant type: single nucleotide variant.
Coding change: c.2721T>G on transcript NM_001384140.1 (MANE Select); coding-DNA position 2721, T replaced by G.
Protein change: p.Pro907=; no amino-acid change (proline 907 retained).
Molecular consequence: synonymous variant.
Genome position (GRCh38, 1-based): chr10:54,020,222, A>C on the plus strand (T>G on the coding strand, the complement: PCDH15 is on the minus strand). VCF-style: chr10-54020222-A-C. GRCh37 (hg19) VCF-style: chr10-55779982-A-C.
Other names: c.2736T>G, p.Pro912= (NM_001142763.2, NM_001142771.2); c.2721T>G, p.Pro907= (NM_001142764.2, NM_001142766.2, NM_001142770.3 and 5 more transcripts); c.2508T>G, p.Pro836= (NM_001142765.2); c.2610T>G, p.Pro870= (NM_001142767.2); c.2655T>G, p.Pro885= (NM_001142768.2, NM_001142773.2, NM_001354404.2); c.2757T>G, p.Pro919= (NM_001142769.4); c.2742T>G, p.Pro914= (NM_001354411.2).
Identifiers: ClinVar variation 179388 (VCV000179388.13), dbSNP rs727504835, ClinGen allele CA184325.
Genomic context (GRCh38, chr10:54,020,222, plus strand): 5'-AGGCAACCAGAAGTCATCTCTAGCCCTTACCTTTACAATCACTGTGACAGTAGCAATACC[A>C]GGTGGCATTGTTCCATAAATATCAAAGGCCTCTACCAGAAAAGTGATACTTGCTTCTTGG-3'
Protein context (NP_001371069.1, residues 897-917): EAFDIYGTMP[Pro907=]GIATVTVIVK